The following is an entry in ClinVar:

NM_006506.5(RASA2):c.1916C>T (p.Thr639Ile)

Gene: RASA2 (RAS p21 protein activator 2; plus strand). Cytogenetic location: 3q23.
Variant type: single nucleotide variant.
Coding change: c.1916C>T on transcript NM_006506.5 (MANE Select); coding-DNA position 1916, C replaced by T.
Protein change: p.Thr639Ile; replaces threonine 639 with isoleucine.
Molecular consequence: missense variant.
Genome position (GRCh38, 1-based): chr3:141,586,735, C>T. VCF-style: chr3-141586735-C-T. GRCh37 (hg19) VCF-style: chr3-141305577-C-T.
Other names: c.1916C>T, p.Thr639Ile (NM_001303245.3, NM_001303246.3); short protein forms T639I.
Identifiers: ClinVar variation 3312844 (VCV003312844.1).
Genomic context (GRCh38, chr3:141,586,735, plus strand): 5'-CTCGGATTGGAAAAAAGAATTTTAAGAAACGATGGTTCTGCTTAACAAGCAGAGAGCTCA[C>T]CTACCACAAACAGCCAGGTAGTTGTGTTTATGCTTTATTGTGGGGTTTTTCCTGGTTCTC-3'
Protein context (NP_006497.2, residues 629-649): RWFCLTSREL[Thr639Ile]YHKQPGKDAI

ClinVar aggregate classification (germline): Uncertain significance (1 of 4 stars; one submission).

gnomAD v4.1: 4 of 1,612,282 alleles (0.00025%); highest among the groups gnomAD compares: East Asian, 0.0022%; no homozygotes.

Submission:

Ambry Genetics
Classification: Uncertain significance. Last evaluated: 2024-03-21. Review status: criteria provided, single submitter. Criteria: Ambry Variant Classification Scheme 2023. Collection method: clinical testing. Allele origin: germline.
Comment: Does not currently meet published gene-disease clinical validity criteria Based on insufficient or conflicting evidence, the clinical significance of this alteration remains unclear.

Literature cited by the submitters: PubMed 28106320.